The following is an entry in ClinVar:

NM_001010874.5(TECRL):c.1019A>G (p.Lys340Arg)

Gene: TECRL (trans-2,3-enoyl-CoA reductase like; minus strand). Cytogenetic location: 4q13.1.
Variant type: single nucleotide variant.
Coding change: c.1019A>G on transcript NM_001010874.5 (MANE Select); coding-DNA position 1019, A replaced by G.
Protein change: p.Lys340Arg; replaces lysine 340 with arginine.
Molecular consequence: missense variant. On other transcripts: intron variant (1).
Genome position (GRCh38, 1-based): chr4:64,280,145, T>C on the plus strand (A>G on the coding strand, the complement: TECRL is on the minus strand). VCF-style: chr4-64280145-T-C. GRCh37 (hg19) VCF-style: chr4-65145863-T-C.
Other names: c.964+896A>G (NM_001363796.1); short protein forms K340R.
Identifiers: ClinVar variation 3232336 (VCV003232336.1), dbSNP rs1391932702, ClinGen allele CA357042758.
Genomic context (GRCh38, chr4:64,280,145, plus strand): 5'-GGAATCATTGCTGATTTTCTATGAATATATGAATTGAATTTTCTCAGATAAATCTTATGT[T>C]TCTTTTGTGCCCACAAAGACATCTGGATACTCATCAGAAGTGTAAAAATTCCAACTAGAA-3'
Protein context (NP_001010874.2, residues 330-350): SIQMSLWAQK[Lys340Arg]HKIYLRKFNS

ClinVar aggregate classification (germline): Uncertain significance (1 of 4 stars; one submission).

Conditions:
Cardiovascular phenotype. Identifiers: MedGen CN230736.

Allele frequency attached by ClinVar (database versions not stated): gnomAD exomes below 0.00001.
gnomAD v4.1: 3 of 1,603,810 alleles (0.00019%); highest among the groups gnomAD compares: Non-Finnish European, 0.00026%; no homozygotes.

Submission:

Ambry Genetics
Classification: Uncertain significance for Cardiovascular phenotype. Last evaluated: 2024-03-11. Review status: criteria provided, single submitter. Criteria: Ambry Variant Classification Scheme 2023. Collection method: clinical testing. Allele origin: germline.
Comment: The p.K340R variant (also known as c.1019A>G), located in coding exon 12 of the TECRL gene, results from an A to G substitution at nucleotide position 1019. The lysine at codon 340 is replaced by arginine, an amino acid with highly similar properties. This amino acid position is conserved. In addition, this alteration is predicted to be tolerated by in silico analysis. Based on the available evidence, the clinical significance of this alteration remains unclear.